The following is an entry in ClinVar:

ClinVar aggregate classification (germline): Likely benign. Review status: criteria provided, multiple submitters, no conflicts (2 of 4 stars). 5 submissions from 5 submitters: Likely benign (5). Last evaluated 2026-04-01.

Conditions:
Ehlers-Danlos syndrome, classic type, 1 (EDSCL1). Also called: EDS I; Ehlers-Danlos syndrome, type 1; Ehlers-Danlos Syndrome, Classic Type, COL5A1-Related; EHLERS-DANLOS SYNDROME, GRAVIS TYPE; EHLERS-DANLOS SYNDROME, SEVERE CLASSIC TYPE. Identifiers: MedGen C0268335, MONDO:0019567, OMIM 130000.
Familial thoracic aortic aneurysm and aortic dissection (TAAD). Also called: Thoracic aortic aneurysms and dissections. Identifiers: Orphanet 91387, MedGen C4707243, MONDO:0019625.

Allele frequency attached by ClinVar (database versions not stated): gnomAD 0.00003; TOPMed 0.00004.
gnomAD v4.1: 70 of 1,613,870 alleles (0.0043%); highest among the groups gnomAD compares: Non-Finnish European, 0.0016%; no homozygotes.

Submissions (5):

CeGaT Center for Human Genetics Tuebingen
Classification: Likely benign. Last evaluated: 2026-04-01. Review status: criteria provided, single submitter. Criteria: CeGaT Center For Human Genetics Tuebingen Variant Classification Criteria Version 2. Collection method: clinical testing. Allele origin: germline. Affected: yes. Observed: 1 variant allele.
Comment: COL5A1: BP4, BP7

Labcorp Genetics (formerly Invitae), Labcorp
Classification: Likely benign for Ehlers-Danlos syndrome, classic type, 1. Last evaluated: 2025-12-31. Review status: criteria provided, single submitter. Criteria: Invitae Variant Classification Sherloc (09022015). Collection method: clinical testing. Allele origin: germline.

ARUP Laboratories, Molecular Genetics and Genomics, ARUP Laboratories
Classification: Likely benign. Last evaluated: 2023-10-10. Review status: criteria provided, single submitter. Criteria: ARUP Molecular Germline Variant Investigation Process 2024. Collection method: clinical testing. Allele origin: germline.

Ambry Genetics
Classification: Likely benign for Familial thoracic aortic aneurysm and aortic dissection. Last evaluated: 2023-05-31. Review status: criteria provided, single submitter. Criteria: Ambry Variant Classification Scheme 2023. Collection method: clinical testing. Allele origin: germline.

GeneDx
Classification: Likely benign. Last evaluated: 2020-09-16. Review status: criteria provided, single submitter. Criteria: GeneDx Variant Classification Process June 2021. Collection method: clinical testing. Allele origin: germline. Affected: yes.
Comment: This variant is associated with the following publications: (PMID: 29924831)

NM_000093.5(COL5A1):c.3564C>A (p.Ile1188=)

Gene: COL5A1 (collagen type V alpha 1 chain; plus strand). Cytogenetic location: 9q34.3.
Variant type: single nucleotide variant.
Coding change: c.3564C>A on transcript NM_000093.5 (MANE Select); coding-DNA position 3564, C replaced by A.
Protein change: p.Ile1188=; no amino-acid change (isoleucine 1188 retained).
Molecular consequence: synonymous variant.
Genome position (GRCh38, 1-based): chr9:134,811,374, C>A. VCF-style: chr9-134811374-C-A. GRCh37 (hg19) VCF-style: chr9-137703220-C-A.
Other names: c.3564C>A, p.Ile1188= (NM_001278074.1).
Identifiers: ClinVar variation 459678 (VCV000459678.22), dbSNP rs766961124, ClinGen allele CA5319935.